The following is an entry in ClinVar:

ClinVar aggregate classification (germline): Conflicting classifications of pathogenicity. Review status: criteria provided, conflicting classifications (1 of 4 stars). 5 submissions from 5 submitters: Uncertain significance (1); Likely benign (2). 2 of the submissions do not count toward it. Last evaluated 2026-01-09.

Conditions:
VPS13B-related disorder. Also called: VPS13B-related condition.
Cohen syndrome (COH1). Also called: PEPPER SYNDROME; Cutis verticis gyrata, retinitis pigmentosa, and sensorineural deafness. Identifiers: Orphanet 193, MedGen C0265223, MONDO:0008999, OMIM 216550.

Allele frequency attached by ClinVar (database versions not stated): ESP Exome Variant Server 0.00008; TOPMed 0.00011; gnomAD exomes 0.00012; gnomAD 0.00016 and 0.00017.
gnomAD v4.1: 198 of 1,612,748 alleles (0.012%); highest among the groups gnomAD compares: East Asian, 0.016%; no homozygotes.

Submissions (5):

Labcorp Genetics (formerly Invitae), Labcorp
Classification: Likely benign for Cohen syndrome. Last evaluated: 2026-01-09. Review status: criteria provided, single submitter. Criteria: Invitae Variant Classification Sherloc (09022015). Collection method: clinical testing. Allele origin: germline.

Blueprint Genetics
Classification: Likely benign. Last evaluated: 2024-08-08. Review status: criteria provided, single submitter. Criteria: ACMG Guidelines, 2015. Collection method: clinical testing. Allele origin: germline.

Illumina Laboratory Services, Illumina
Classification: Uncertain significance for Cohen syndrome. Last evaluated: 2018-01-12. Review status: criteria provided, single submitter. Criteria: ICSL Variant Classification Criteria 13 December 2019. Collection method: clinical testing. Allele origin: germline.

PreventionGenetics, part of Exact Sciences
Classification: Likely benign for VPS13B-related condition. Last evaluated: 2023-04-07. Review status: no assertion criteria provided. Collection method: clinical testing. Allele origin: germline. Not counted in ClinVar's aggregate classification.
Comment: This variant is classified as likely benign based on ACMG/AMP sequence variant interpretation guidelines (Richards et al. 2015 PMID: 25741868, with internal and published modifications).

Natera, Inc.
Classification: Likely benign for Cohen syndrome. Last evaluated: 2020-09-16. Review status: no assertion criteria provided. Collection method: clinical testing. Allele origin: germline. Not counted in ClinVar's aggregate classification.

NM_152564.5(VPS13B):c.3083-9C>T

Gene: VPS13B (vacuolar protein sorting 13 homolog B; plus strand). Cytogenetic location: 8q22.2.
Variant type: single nucleotide variant.
Coding change: c.3083-9C>T on transcript NM_152564.5 (MANE Select); 9 bases into the intron before coding-DNA position 3083, C replaced by T.
Molecular consequence: intron variant.
Genome position (GRCh38, 1-based): chr8:99,431,528, C>T. VCF-style: chr8-99431528-C-T. GRCh37 (hg19) VCF-style: chr8-100443756-C-T.
Other names: c.3083-9C>T (NM_152564.4, NM_017890.5).
Identifiers: ClinVar variation 361053 (VCV000361053.20), dbSNP rs376659281, ClinGen allele CA4823165.